The following is an entry in ClinVar:

ClinVar aggregate classification (germline): Uncertain significance (1 of 4 stars; one submission).

Conditions:
Baller-Gerold syndrome (BGS). Also called: CRANIOSYNOSTOSIS WITH RADIAL DEFECTS. Identifiers: Orphanet 1225, MedGen C0265308, MONDO:0009039, OMIM 218600.

Allele frequency attached by ClinVar (database versions not stated): gnomAD exomes below 0.00001.
gnomAD v4.1: 4 of 1,612,582 alleles (0.00025%); highest among the groups gnomAD compares: Non-Finnish European, 0.00034%; no homozygotes.

Submission:

Labcorp Genetics (formerly Invitae), Labcorp
Classification: Uncertain significance for Baller-Gerold syndrome. Last evaluated: 2021-10-13. Review status: criteria provided, single submitter. Criteria: Invitae Variant Classification Sherloc (09022015). Collection method: clinical testing. Allele origin: germline.
Comment: In summary, the available evidence is currently insufficient to determine the role of this variant in disease. Therefore, it has been classified as a Variant of Uncertain Significance. Experimental studies and prediction algorithms are not available or were not evaluated, and the functional significance of this variant is currently unknown. This variant has not been reported in the literature in individuals affected with RECQL4-related conditions. This variant is not present in population databases (ExAC no frequency). This sequence change replaces glutamine with glutamic acid at codon 1138 of the RECQL4 protein (p.Gln1138Glu). The glutamine residue is highly conserved and there is a small physicochemical difference between glutamine and glutamic acid.

NM_004260.4(RECQL4):c.3412C>G (p.Gln1138Glu)

Gene: RECQL4 (RecQ like helicase 4; minus strand). Cytogenetic location: 8q24.3.
Variant type: single nucleotide variant.
Coding change: c.3412C>G on transcript NM_004260.4 (MANE Select); coding-DNA position 3412, C replaced by G.
Protein change: p.Gln1138Glu; replaces glutamine 1138 with glutamic acid.
Molecular consequence: missense variant.
Genome position (GRCh38, 1-based): chr8:144,511,771, G>C on the plus strand (C>G on the coding strand, the complement: RECQL4 is on the minus strand). VCF-style: chr8-144511771-G-C. GRCh37 (hg19) VCF-style: chr8-145737154-G-C.
Other names: short protein forms Q1138E.
Identifiers: ClinVar variation 1410678 (VCV001410678.6), dbSNP rs1827255071, ClinGen allele CA372667458.
Genomic context (GRCh38, chr8:144,511,771, plus strand): 5'-TGCTGGAGAACTTCTCCTCTGGCCTCAGGGACAGGAACTGGCGGATGTCGCAGCGGACCT[G>C]GTCCTCCCAATCCTGGAGCTGTGTGGACAGGCACATCAGGCTTCCTCTGAGCTCCCGTGG-3'
Protein context (NP_004251.4, residues 1128-1148): GQARLQDWED[Gln1138Glu]VRCDIRQFLS